The following is an entry in ClinVar:

ClinVar aggregate classification (germline): Uncertain significance. Review status: criteria provided, multiple submitters, no conflicts (2 of 4 stars). 2 submissions from 2 submitters: Uncertain significance (2). Last evaluated 2025-01-10.

Conditions:
Inborn genetic diseases. Identifiers: MedGen C0950123, MeSH D030342.

Allele frequency attached by ClinVar (database versions not stated): gnomAD exomes below 0.00001; ExAC 0.00001; gnomAD 0.00001; TOPMed 0.00002.
gnomAD v4.1: 6 of 1,614,110 alleles (0.00037%); highest among the groups gnomAD compares: Admixed American, 0.0083%; no homozygotes.

Submissions (2):

GeneDx
Classification: Uncertain significance. Last evaluated: 2025-01-10. Review status: criteria provided, single submitter. Criteria: GeneDx Variant Classification Process June 2021. Collection method: clinical testing. Allele origin: germline. Affected: yes.
Comment: Not observed at significant frequency in large population cohorts (gnomAD); In silico analysis supports that this missense variant has a deleterious effect on protein structure/function; Has not been previously published as pathogenic or benign to our knowledge

Ambry Genetics
Classification: Uncertain significance for Inborn genetic diseases. Last evaluated: 2021-06-21. Review status: criteria provided, single submitter. Criteria: Ambry Variant Classification Scheme 2023. Collection method: clinical testing. Allele origin: germline.

NM_001160372.4(TRAPPC9):c.1654C>T (p.Leu552Phe)

Gene: TRAPPC9 (trafficking protein particle complex subunit 9; minus strand). Cytogenetic location: 8q24.3.
Variant type: single nucleotide variant.
Coding change: c.1654C>T on transcript NM_001160372.4 (MANE Select); coding-DNA position 1654, C replaced by T.
Protein change: p.Leu552Phe; replaces leucine 552 with phenylalanine.
Molecular consequence: missense variant. On other transcripts: non-coding transcript variant (1).
Genome position (GRCh38, 1-based): chr8:140,300,583, G>A on the plus strand (C>T on the coding strand, the complement: TRAPPC9 is on the minus strand). VCF-style: chr8-140300583-G-A. GRCh37 (hg19) VCF-style: chr8-141310682-G-A.
Other names: c.1627C>T, p.Leu543Phe (NM_001321646.2); c.1675C>T, p.Leu559Phe (NM_001374682.1); c.1654C>T, p.Leu552Phe (NM_001374683.1, NM_031466.8); c.1510C>T, p.Leu504Phe (NM_001374684.1); short protein forms L552F, L543F, L504F, L559F.
Identifiers: ClinVar variation 2383399 (VCV002383399.3), dbSNP rs762751827, ClinGen allele CA4893370.